The following is an entry in ClinVar:

ClinVar aggregate classification (germline): Conflicting classifications of pathogenicity. Review status: criteria provided, conflicting classifications (1 of 4 stars). 7 submissions from 7 submitters: Uncertain significance (5); Likely benign (1). 1 of the submissions does not count toward it. Last evaluated 2026-09-15.

Conditions:
MKS1-related disorder. Also called: MKS1-related condition; MKS1-related disorders. Identifiers: MedGen CN239382.
Joubert syndrome 28 (JBTS28). Identifiers: MedGen C4310705, MONDO:0014928, OMIM 617121.
Meckel syndrome, type 1 (MKS1). Also called: MECKEL-GRUBER SYNDROME, TYPE 1. Identifiers: Orphanet 564, MedGen C3714506, MONDO:0009571, OMIM 249000.
Bardet-Biedl syndrome 13 (BBS13). Identifiers: Orphanet 110, MedGen C2673873, MONDO:0014441, OMIM 615990.
Meckel-Gruber syndrome. Also called: GRUBER SYNDROME; DYSENCEPHALIA SPLANCHNOCYSTICA; Dysencephalia splachnocystica. Identifiers: Orphanet 564, MedGen C0265215, MONDO:0018921.
Joubert syndrome. Also called: JOUBERT-BOLTSHAUSER SYNDROME; Familial aplasia of the vermis. Identifiers: Orphanet 475, MedGen C5979921, MONDO:0018772.

Allele frequency attached by ClinVar (database versions not stated): TOPMed 0.00003.
gnomAD v4.1: 79 of 1,613,948 alleles (0.0049%); highest among the groups gnomAD compares: South Asian, 0.0099%; no homozygotes.

Submissions (7):

PreventionGenetics, part of Exact Sciences
Classification: Uncertain significance for MKS1-related condition. Last evaluated: 2026-09-15. Review status: criteria provided, single submitter. Criteria: ACMG Guidelines, 2015. Collection method: clinical testing. Allele origin: germline.
Comment: The MKS1 c.1544G>A variant is predicted to result in the amino acid substitution p.Arg515His. To our knowledge, this variant has not been reported in the literature. This variant is reported in 0.012% of alleles in individuals of European (Finnish) descent in gnomAD. At this time, the clinical significance of this variant is uncertain due to the absence of conclusive functional and genetic evidence.

Fulgent Genetics
Classification: Uncertain significance for Meckel syndrome, type 1; Bardet-Biedl syndrome 13; Joubert syndrome 28. Last evaluated: 2024-06-04. Review status: criteria provided, single submitter. Criteria: ACMG Guidelines, 2015. Collection method: clinical testing. Allele origin: germline.

Labcorp Genetics (formerly Invitae), Labcorp
Classification: Uncertain significance for Joubert syndrome; Meckel-Gruber syndrome. Last evaluated: 2022-08-23. Review status: criteria provided, single submitter. Criteria: Invitae Variant Classification Sherloc (09022015). Collection method: clinical testing. Allele origin: germline.
Comment: This sequence change replaces arginine, which is basic and polar, with histidine, which is basic and polar, at codon 515 of the MKS1 protein (p.Arg515His). This variant is present in population databases (rs200658872, gnomAD 0.01%). This variant has not been reported in the literature in individuals affected with MKS1-related conditions. ClinVar contains an entry for this variant (Variation ID: 502797). Advanced modeling of protein sequence and biophysical properties (such as structural, functional, and spatial information, amino acid conservation, physicochemical variation, residue mobility, and thermodynamic stability) performed at Invitae indicates that this missense variant is not expected to disrupt MKS1 protein function. In summary, the available evidence is currently insufficient to determine the role of this variant in disease. Therefore, it has been classified as a Variant of Uncertain Significance.

Blueprint Genetics
Classification: Likely benign. Last evaluated: 2021-12-08. Review status: criteria provided, single submitter. Criteria: ACMG Guidelines, 2015. Collection method: clinical testing. Allele origin: germline.

GeneDx
Classification: Uncertain significance. Last evaluated: 2021-09-28. Review status: criteria provided, single submitter. Criteria: GeneDx Variant Classification Process June 2021. Collection method: clinical testing. Allele origin: germline. Affected: yes.
Comment: Not observed at significant frequency in large population cohorts (Lek et al., 2016); In silico analysis supports that this missense variant does not alter protein structure/function; Has not been previously published as pathogenic or benign to our knowledge

Eurofins Ntd Llc (ga)
Classification: Uncertain significance. Last evaluated: 2017-06-29. Review status: criteria provided, single submitter. Criteria: EGL Classification Definitions 2015. Collection method: clinical testing. Allele origin: germline. Observed: 1 variant allele, 1 heterozygote.

Natera, Inc.
Classification: Uncertain significance for Meckel syndrome type 1. Last evaluated: 2019-10-28. Review status: no assertion criteria provided. Collection method: clinical testing. Allele origin: germline. Not counted in ClinVar's aggregate classification.

NM_017777.4(MKS1):c.1544G>A (p.Arg515His)

Gene: MKS1 (MKS transition zone complex subunit 1; minus strand). Cytogenetic location: 17q22.
Variant type: single nucleotide variant.
Coding change: c.1544G>A on transcript NM_017777.4 (MANE Select); coding-DNA position 1544, G replaced by A.
Protein change: p.Arg515His; replaces arginine 515 with histidine.
Molecular consequence: missense variant. On other transcripts: synonymous variant (1).
Genome position (GRCh38, 1-based): chr17:58,206,327, C>T on the plus strand (G>A on the coding strand, the complement: MKS1 is on the minus strand). VCF-style: chr17-58206327-C-T. GRCh37 (hg19) VCF-style: chr17-56283688-C-T.
Other names: c.935G>A, p.Arg312His (NM_001321268.2); c.1461G>A, p.Pro487= (NM_001321269.2); c.1327G>A, p.Val443Ile (NM_001330397.2); short protein forms R515H, R312H, V443I.
Identifiers: ClinVar variation 502797 (VCV000502797.17), dbSNP rs200658872, ClinGen allele CA8669090.